The following is an entry in ClinVar:

NM_001048174.2(MUTYH):c.568T>C (p.Tyr190His)

Gene: MUTYH (mutY DNA glycosylase; minus strand). Cytogenetic location: 1p34.1.
Variant type: single nucleotide variant.
Coding change: c.568T>C on transcript NM_001048174.2 (MANE Select); coding-DNA position 568, T replaced by C.
Protein change: p.Tyr190His; replaces tyrosine 190 with histidine.
Molecular consequence: missense variant. On other transcripts: non-coding transcript variant (2).
Genome position (GRCh38, 1-based): chr1:45,332,612, A>G on the plus strand (T>C on the coding strand, the complement: MUTYH is on the minus strand). VCF-style: chr1-45332612-A-G. GRCh37 (hg19) VCF-style: chr1-45798284-A-G.
Other names: c.568T>C, p.Tyr190His (NM_001048171.2, NM_001048173.2, NM_001293195.2); c.571T>C, p.Tyr191His (NM_001048172.2); c.652T>C, p.Tyr218His (NM_001128425.2); c.613T>C, p.Tyr205His (NM_001293190.2); c.601T>C, p.Tyr201His (NM_001293191.2); c.292T>C, p.Tyr98His (NM_001293192.2, NM_001293196.2); c.223T>C, p.Tyr75His (NM_001350650.2, NM_001350651.2); c.643T>C, p.Tyr215His (NM_012222.3); short protein forms Y218H, Y215H, Y98H, Y190H, Y201H, Y205H, Y75H, Y191H.
Identifiers: ClinVar variation 231100 (VCV000231100.22), dbSNP rs745808534, ClinGen allele CA10577727.

ClinVar aggregate classification (germline): Uncertain significance. Review status: criteria provided, multiple submitters, no conflicts (2 of 4 stars). 4 submissions from 4 submitters: Uncertain significance (3). 1 of the submissions does not count toward it. Last evaluated 2025-11-29.

Conditions:
Hereditary cancer-predisposing syndrome. Also called: Neoplastic Syndromes, Hereditary; Hereditary neoplastic syndrome; Hereditary Cancer Syndrome; Tumor predisposition. Identifiers: Orphanet 140162, MedGen C0027672, MeSH D009386, MONDO:0015356.
Familial adenomatous polyposis 2. Also called: MUTYH-related attenuated familial adenomatous polyposis; FAP type 2; MUTYH-associated polyposis; MUTYH Polyposis; Adenomas, multiple colorectal; COLORECTAL ADENOMATOUS POLYPOSIS, AUTOSOMAL RECESSIVE. Identifiers: Orphanet 220460, Orphanet 247798, MedGen C3272841, MONDO:0012041, OMIM 608456.
MUTYH-related disorder. Also called: MUTYH-related condition; MUTYH-related disorders.

gnomAD v4.1: 1 of 1,614,130 alleles (0.000062%); highest among the groups gnomAD compares: Non-Finnish European, 0.000085%; no homozygotes.

Submissions (4):

Ambry Genetics
Classification: Uncertain significance for Hereditary cancer-predisposing syndrome. Last evaluated: 2025-11-29. Review status: criteria provided, single submitter. Criteria: Ambry Variant Classification Scheme 2023. Collection method: clinical testing. Allele origin: germline.
Comment: The p.Y218H variant (also known as c.652T>C), located in coding exon 8 of the MUTYH gene, results from a T to C substitution at nucleotide position 652. The tyrosine at codon 218 is replaced by histidine, an amino acid with similar properties. This amino acid position is highly conserved in available vertebrate species. In addition, this alteration is predicted to be deleterious by in silico analysis. Since supporting evidence is limited at this time, the clinical significance of this alteration remains unclear.

Labcorp Genetics (formerly Invitae), Labcorp
Classification: Uncertain significance for Familial adenomatous polyposis 2. Last evaluated: 2025-07-29. Review status: criteria provided, single submitter. Criteria: Invitae Variant Classification Sherloc (09022015). Collection method: clinical testing. Allele origin: germline.
Comment: This sequence change replaces tyrosine, which is neutral and polar, with histidine, which is basic and polar, at codon 218 of the MUTYH protein (p.Tyr218His). This variant is not present in population databases (gnomAD no frequency). This variant has not been reported in the literature in individuals affected with MUTYH-related conditions. ClinVar contains an entry for this variant (Variation ID: 231100). An algorithm developed to predict the effect of missense changes on protein structure and function (PolyPhen-2) suggests that this variant is likely to be disruptive. In summary, the available evidence is currently insufficient to determine the role of this variant in disease. Therefore, it has been classified as a Variant of Uncertain Significance.

Color Diagnostics, LLC DBA Color Health
Classification: Uncertain significance for Hereditary cancer-predisposing syndrome. Last evaluated: 2023-12-05. Review status: criteria provided, single submitter. Criteria: ACMG Guidelines, 2015. Collection method: clinical testing. Allele origin: germline.
Comment: This missense variant replaces tyrosine with histidine at codon 218 of the MUTYH protein. Computational prediction suggests that this variant may have deleterious impact on protein structure and function (internally defined REVEL score threshold >= 0.7, PMID: 27666373). To our knowledge, functional studies have not been reported for this variant. This variant has not been reported in individuals affected with MUTYH-related disorders in the literature. This variant has not been identified in the general population by the Genome Aggregation Database (gnomAD). The available evidence is insufficient to determine the role of this variant in disease conclusively. Therefore, this variant is classified as a Variant of Uncertain Significance.

PreventionGenetics, part of Exact Sciences
Classification: Uncertain significance for MUTYH-related condition. Last evaluated: 2024-08-14. Review status: no assertion criteria provided. Collection method: clinical testing. Allele origin: germline. Not counted in ClinVar's aggregate classification.
Comment: The MUTYH c.652T>C variant is predicted to result in the amino acid substitution p.Tyr218His. To our knowledge, this variant has not been reported in the literature or in gnomAD, indicating this variant is rare. This variant is classified as a variant of uncertain significance in ClinVar. At this time, the clinical significance of this variant is uncertain due to the absence of conclusive functional and genetic evidence.